The following is an entry in ClinVar:

ClinVar aggregate classification (germline): Uncertain significance (1 of 4 stars; one submission).

Conditions:
Cardiovascular phenotype. Identifiers: MedGen CN230736.
Hereditary cancer-predisposing syndrome. Also called: Neoplastic Syndromes, Hereditary; Tumor predisposition; Hereditary Cancer Syndrome; Hereditary neoplastic syndrome. Identifiers: Orphanet 140162, MedGen C0027672, MeSH D009386, MONDO:0015356.

Submission:

Ambry Genetics
Classification: Uncertain significance for Cardiovascular phenotype; Hereditary cancer-predisposing syndrome. Last evaluated: 2022-10-27. Review status: criteria provided, single submitter. Criteria: Ambry Variant Classification Scheme 2023. Collection method: clinical testing. Allele origin: germline.
Comment: The p.I2817F variant (also known as c.8449A>T), located in coding exon 57 of the NF1 gene, results from an A to T substitution at nucleotide position 8449. The isoleucine at codon 2817 is replaced by phenylalanine, an amino acid with highly similar properties. This amino acid position is conserved. In addition, this alteration is predicted to be tolerated by in silico analysis. Since supporting evidence is limited at this time, the clinical significance of this alteration remains unclear.

NM_001042492.3(NF1):c.8512A>T (p.Ile2838Phe)

Gene: NF1 (neurofibromin 1; plus strand). Cytogenetic location: 17q11.2.
Variant type: single nucleotide variant.
Coding change: c.8512A>T on transcript NM_001042492.3 (MANE Select); coding-DNA position 8512, A replaced by T.
Protein change: p.Ile2838Phe; replaces isoleucine 2838 with phenylalanine.
Molecular consequence: missense variant.
Genome position (GRCh38, 1-based): chr17:31,374,147, A>T. VCF-style: chr17-31374147-A-T. GRCh37 (hg19) VCF-style: chr17-29701165-A-T.
Other names: c.8449A>T, p.Ile2817Phe (NM_000267.4); short protein forms I2838F, I2817F.
Identifiers: ClinVar variation 1763416 (VCV001763416.2), dbSNP rs2151601661, ClinGen allele CA399206141.